The following is an entry in ClinVar:

NM_005548.3(KARS1):c.1079-7C>T

Gene: KARS1 (lysyl-tRNA synthetase 1; minus strand). Cytogenetic location: 16q23.1.
Variant type: single nucleotide variant.
Coding change: c.1079-7C>T on transcript NM_005548.3 (MANE Select); 7 bases into the intron before coding-DNA position 1079, C replaced by T.
Molecular consequence: intron variant.
Genome position (GRCh38, 1-based): chr16:75,631,596, G>A on the plus strand (C>T on the coding strand, the complement: KARS1 is on the minus strand). VCF-style: chr16-75631596-G-A. GRCh37 (hg19) VCF-style: chr16-75665494-G-A.
Other names: p.?; c.1163-7C>T (NM_001130089.2); c.611-7C>T (NM_001378148.1); c.1079-7C>T (NM_005548.2).
Identifiers: ClinVar variation 226678 (VCV000226678.27), dbSNP rs16941301, ClinGen allele CA8177389.

ClinVar aggregate classification (germline): Benign. Review status: criteria provided, multiple submitters, no conflicts (2 of 4 stars). 7 submissions from 7 submitters: Benign (7). Last evaluated 2026-01-29.

Allele frequency attached by ClinVar (database versions not stated): ESP Exome Variant Server 0.02978; gnomAD 0.03165; TOPMed 0.03419; 1000 Genomes Project 0.05232; 1000 Genomes Project 30x 0.05387.
gnomAD v4.1: 35,131 of 1,614,092 alleles (2.2%); highest among the groups gnomAD compares: African/African-American, 6.9%; 672 homozygotes.

Submissions (7):

Labcorp Genetics (formerly Invitae), Labcorp
Classification: Benign. Last evaluated: 2026-01-29. Review status: criteria provided, single submitter. Criteria: Invitae Variant Classification Sherloc (09022015). Collection method: clinical testing. Allele origin: germline.

ARUP Laboratories, Molecular Genetics and Genomics, ARUP Laboratories
Classification: Benign. Last evaluated: 2025-06-27. Review status: criteria provided, single submitter. Criteria: ARUP Molecular Germline Variant Investigation Process 2024. Collection method: clinical testing. Allele origin: germline.

Mayo Clinic Laboratories, Mayo Clinic
Classification: Benign. Last evaluated: 2021-12-10. Review status: criteria provided, single submitter. Criteria: ACMG Guidelines, 2015. Collection method: clinical testing. Allele origin: germline. Observed: 92 variant alleles.

Athena Diagnostics
Classification: Benign. Last evaluated: 2018-05-23. Review status: criteria provided, single submitter. Criteria: Athena Diagnostics Criteria. Collection method: clinical testing. Allele origin: germline.

GeneDx
Classification: Benign. Last evaluated: 2017-08-03. Review status: criteria provided, single submitter. Criteria: GeneDx Variant Classification (06012015). Collection method: clinical testing. Allele origin: germline. Affected: yes.
Comment: This variant is considered likely benign or benign based on one or more of the following criteria: it is a conservative change, it occurs at a poorly conserved position in the protein, it is predicted to be benign by multiple in silico algorithms, and/or has population frequency not consistent with disease.

Laboratory for Molecular Medicine, Mass General Brigham Personalized Medicine
Classification: Benign. Last evaluated: 2014-11-24. Review status: criteria provided, single submitter. Criteria: LMM Criteria. Collection method: clinical testing. Allele origin: germline. Observed: 38 variant alleles.
Comment: 1163-7C>T in intron 9 of KARS: This variant is not expected to have clinical sig nificance because it has been identified in 6.0% (263/4396) of African American chromosomes from a broad population by the NHLBI Exome Sequencing Project (dbSNP rs16941301).

Breakthrough Genomics
Classification: Benign. Review status: criteria provided, single submitter. Criteria: ACMG Guidelines, 2015. Collection method: not provided. Allele origin: germline. Inheritance: Autosomal recessive inheritance. Affected: yes.